The following is an entry in ClinVar:

ClinVar aggregate classification (germline): Uncertain significance. Review status: criteria provided, multiple submitters, no conflicts (2 of 4 stars). 4 submissions from 4 submitters: Uncertain significance (4). Last evaluated 2025-11-18.

Conditions:
Hereditary cancer-predisposing syndrome. Also called: Neoplastic Syndromes, Hereditary; Tumor predisposition; Hereditary Cancer Syndrome; Hereditary neoplastic syndrome. Identifiers: Orphanet 140162, MedGen C0027672, MeSH D009386, MONDO:0015356.
Oligodontia-cancer predisposition syndrome. Also called: TOOTH AGENESIS-COLORECTAL CANCER SYNDROME. Identifiers: Orphanet 300576, MedGen C1837750, MONDO:0012075, OMIM 608615. Disease mechanism: loss of function.

Allele frequency attached by ClinVar (database versions not stated): gnomAD exomes below 0.00001; TOPMed 0.00001.
gnomAD v4.1: 1 of 1,612,910 alleles (0.000062%); highest among the groups gnomAD compares: East Asian, 0.0022%; no homozygotes.

Submissions (4):

Labcorp Genetics (formerly Invitae), Labcorp
Classification: Uncertain significance for Oligodontia-cancer predisposition syndrome. Last evaluated: 2025-11-18. Review status: criteria provided, single submitter. Criteria: Invitae Variant Classification Sherloc (09022015). Collection method: clinical testing. Allele origin: germline.
Comment: This sequence change replaces aspartic acid, which is acidic and polar, with valine, which is neutral and non-polar, at codon 320 of the AXIN2 protein (p.Asp320Val). This variant is not present in population databases (gnomAD no frequency). This missense change has been observed in individual(s) with colorectal cancer (PMID: 31769227). ClinVar contains an entry for this variant (Variation ID: 647987). An algorithm developed to predict the effect of missense changes on protein structure and function (PolyPhen-2) suggests that this variant is likely to be disruptive. In summary, the available evidence is currently insufficient to determine the role of this variant in disease. Therefore, it has been classified as a Variant of Uncertain Significance.

Ambry Genetics
Classification: Uncertain significance for Hereditary cancer-predisposing syndrome. Last evaluated: 2025-03-05. Review status: criteria provided, single submitter. Criteria: Ambry Variant Classification Scheme 2023. Collection method: clinical testing. Allele origin: germline.
Comment: The p.D320V variant (also known as c.959A>T), located in coding exon 3 of the AXIN2 gene, results from an A to T substitution at nucleotide position 959. The aspartic acid at codon 320 is replaced by valine, an amino acid with highly dissimilar properties. This alteration has been observed in at least one individual with a personal and/or family history of colorectal cancer (Chang SC et al. Cancer Med, 2020 01;9:476-486). This amino acid position is highly conserved in available vertebrate species. In addition, this alteration is predicted to be deleterious by in silico analysis. Since supporting evidence is limited at this time, the clinical significance of this alteration remains unclear.

St. Jude Molecular Pathology, St. Jude Children's Research Hospital
Classification: Uncertain significance for Oligodontia-cancer predisposition syndrome. Last evaluated: 2024-05-07. Review status: criteria provided, single submitter. Criteria: St. Jude Assertion Criteria 2020. Collection method: clinical testing. Allele origin: germline.
Comment: The AXIN2 c.959A>T (p.Asp320Val) missense change is absent in gnomAD v2.1.1. The in silico tool predicts a deleterious effect on protein function, but to our knowledge this prediction has not been confirmed by functional studies. In summary, the evidence currently available is insufficient to determine the clinical significance of this variant. It has therefore been classified as of uncertain significance.

GeneDx
Classification: Uncertain significance. Last evaluated: 2023-03-21. Review status: criteria provided, single submitter. Criteria: GeneDx Variant Classification Process June 2021. Collection method: clinical testing. Allele origin: germline. Affected: yes.
Comment: Not observed at significant frequency in large population cohorts (gnomAD); In silico analysis supports that this missense variant has a deleterious effect on protein structure/function; Identified in a patient with colorectal cancer (Chang et al., 2020); This variant is associated with the following publications: (PMID: 31769227)

Literature cited by the submitters: PubMed 31769227 (cited by Labcorp Genetics (formerly Invitae), Labcorp and Ambry Genetics).

NM_004655.4(AXIN2):c.959A>T (p.Asp320Val)

Gene: AXIN2 (axin 2; minus strand). Cytogenetic location: 17q24.1.
Variant type: single nucleotide variant.
Coding change: c.959A>T on transcript NM_004655.4 (MANE Select); coding-DNA position 959, A replaced by T.
Protein change: p.Asp320Val; replaces aspartic acid 320 with valine.
Molecular consequence: missense variant.
Genome position (GRCh38, 1-based): chr17:65,541,555, T>A on the plus strand (A>T on the coding strand, the complement: AXIN2 is on the minus strand). VCF-style: chr17-65541555-T-A. GRCh37 (hg19) VCF-style: chr17-63537673-T-A.
Other names: c.959A>T (LRG_296t1); c.959A>T, p.Asp320Val (NM_001363813.1); short protein forms D320V.
Identifiers: ClinVar variation 647987 (VCV000647987.15), dbSNP rs1462955225, ClinGen allele CA400679397.